The following is an entry in ClinVar:

ClinVar aggregate classification (germline): Uncertain significance (1 of 4 stars; one submission).

Submission:

Labcorp Genetics (formerly Invitae), Labcorp
Classification: Uncertain significance. Last evaluated: 2022-10-25. Review status: criteria provided, single submitter. Criteria: Invitae Variant Classification Sherloc (09022015). Collection method: clinical testing. Allele origin: germline.
Comment: This sequence change creates a premature translational stop signal (p.Pro189Alafs*41) in the APOA1 gene. While this is not anticipated to result in nonsense mediated decay, it is expected to disrupt the last 79 amino acid(s) of the APOA1 protein. This variant is not present in population databases (gnomAD no frequency). This variant has not been reported in the literature in individuals affected with APOA1-related conditions. Experimental studies and prediction algorithms are not available or were not evaluated, and the functional significance of this variant is currently unknown. In summary, the available evidence is currently insufficient to determine the role of this variant in disease. Therefore, it has been classified as a Variant of Uncertain Significance.

NM_000039.3(APOA1):c.551_564dup (p.Pro189fs)

Gene: APOA1 (apolipoprotein A1; minus strand). Cytogenetic location: 11q23.3.
Variant type: Duplication.
Coding change: c.551_564dup on transcript NM_000039.3 (MANE Select); coding-DNA positions 551 to 564, 14 bases duplicated (GCACGCATCTGGCC).
Protein change: p.Pro189fs; shifts the reading frame from proline 189.
Molecular consequence: frameshift variant.
Genome position (GRCh38, 1-based): chr11:116,836,048-116,836,061, GGCCAGATGCGTGC duplicated on the plus strand (GCACGCATCTGGCC on the coding strand, the reverse complement: APOA1 is on the minus strand); duplicating any 14 consecutive bases within chr11:116,836,048-116,836,062 gives the same sequence; the c. name uses the placement nearest the transcript's 3' end. VCF-style (leftmost placement, unchanged base first): chr11-116836047-G-GGGCCAGATGCGTGC. GRCh37 (hg19) VCF-style: chr11-116706763-G-GGGCCAGATGCGTGC.
Other names: c.223_236dup, p.Pro80Alafs (NM_001425092.1, NM_001318021.2, NM_001425091.1); c.505_518dup, p.Pro174Alafs (NM_001425093.1); c.551_564dup, p.Pro189fs (NM_001318017.2, NM_001318018.2); c.550_563dup, p.Pro189Alafs (NM_001425090.1); short protein forms P189fs, P80fs.
Identifiers: ClinVar variation 2809567 (VCV002809567.3), dbSNP rs2540288749, ClinGen allele CA2739271021.